The following is an entry in ClinVar:

ClinVar aggregate classification (germline): Pathogenic. Review status: criteria provided, single submitter (1 of 4 stars). 3 submissions from 3 submitters: Pathogenic (1). 2 of the submissions do not count toward it. Last evaluated 2022-06-24.

Conditions:
Naegeli-Franceschetti-Jadassohn syndrome (NFJS). Also called: NFJ SYNDROME. Identifiers: Orphanet 69087, MedGen C0343111, MONDO:0008059, OMIM 161000.

Allele frequency attached by ClinVar (database versions not stated): gnomAD 0.00001; ExAC below 0.00001; TOPMed below 0.00001.

Submissions (3):

Victorian Clinical Genetics Services, Murdoch Childrens Research Institute
Classification: Pathogenic for Naegeli-Franceschetti-Jadassohn syndrome. Last evaluated: 2022-06-24. Review status: criteria provided, single submitter. Criteria: ACMG Guidelines, 2015. Collection method: clinical testing. Allele origin: germline. Inheritance: Autosomal dominant inheritance. Affected: yes.
Comment: Based on the classification scheme VCGS_Germline_v1.3.4, this variant is classified as Pathogenic. Following criteria are met: 0103 - Dominant negative and loss of function are known mechanisms of disease in this gene. Autosomal dominant epidermolysis bullosa simplex (EBS) is caused by dominant negative missense variants located in the central alpha-helical rod domain. Autosomal recessive EBS is caused by loss of function variants affecting more central or distal regions of the protein. Autosomal dominant Naegeli-Franceschetti-Jadassohn syndrome is caused by haploinsufficiency due to N-terminal (E1/V1 domain) null variants (PMID: 16960809). (I) 0108 - This gene is associated with both recessive and dominant disease (OMIM). (I) 0201 - Variant is predicted to cause nonsense-mediated decay (NMD) and loss of protein (premature termination codon is located at least 54 nucleotides upstream of the final exon-exon junction). (SP) 0251 - This variant is heterozygous. (I) 0302 - Variant is present in gnomAD (v3) <0.001 (1 heterozygote(s), 0 homozygotes). (SP) 0702 - Other NMD predicted variants comparable to the one identified in this case have strong previous evidence for pathogenicity (ClinVar). (SP) 0802 - This variant has moderate previous evidence of pathogenicity in unrelated individuals. The variant has previously been reported in three unrelated families with Naegeli-Franceschetti-Jadassohn syndrome (ClinVar, PMID: 16960809). (P) 0901 - This variant has strong evidence for segregation with disease. The variant has been shown to segregate with disease in a three generation family (PMID: 16960809). (SP) 1102 - Strong phenotype match for this individual. (SP) 1208 - Inheritance information for this variant is not currently available in this individual. (I) Legend: (SP) - Supporting pathogenic, (I) - Information, (SB) - Supporting benign

OMIM
Classification: Pathogenic for NAEGELI-FRANCESCHETTI-JADASSOHN SYNDROME. Last evaluated: 2006-10-01. Review status: no assertion criteria provided. Collection method: literature only. Allele origin: germline. Not counted in ClinVar's aggregate classification.

Epithelial Biology;  Institute of Medical Biology, Singapore
No classification provided. Review status: no classification provided. Collection method: not provided. Allele origin: not provided. Not counted in ClinVar's aggregate classification.

Literature cited by the submitters: PubMed 16960809 (cited by Victorian Clinical Genetics Services, Murdoch Childrens Research Institute and OMIM).

NM_000526.5(KRT14):c.19C>T (p.Gln7Ter)

Gene: KRT14 (keratin 14; minus strand). Cytogenetic location: 17q21.2.
Variant type: single nucleotide variant.
Coding change: c.19C>T on transcript NM_000526.5 (MANE Select); coding-DNA position 19, C replaced by T.
Protein change: p.Gln7Ter; replaces glutamine 7 with a stop codon.
Molecular consequence: nonsense.
Genome position (GRCh38, 1-based): chr17:41,586,816, G>A on the plus strand (C>T on the coding strand, the complement: KRT14 is on the minus strand). VCF-style: chr17-41586816-G-A. GRCh37 (hg19) VCF-style: chr17-39743068-G-A.
Other names: short protein forms Q7*.
Identifiers: ClinVar variation 66333 (VCV000066333.4), dbSNP rs267607391, ClinGen allele CA216885.